The following is an entry in ClinVar:

ClinVar aggregate classification (germline): Conflicting classifications of pathogenicity. Review status: criteria provided, conflicting classifications (1 of 4 stars). 7 submissions from 7 submitters: Uncertain significance (3); Likely benign (4). Last evaluated 2026-02-03.

Conditions:
SDHA-related disorder. Also called: SDHA-related disorders; SDHA-related condition.
Pheochromocytoma/paraganglioma syndrome 5. Also called: Paragangliomas 5; SDHA-Related Hereditary Paraganglioma-Pheochromocytoma Syndrome. Identifiers: Orphanet 29072, MedGen C3279992, MONDO:0013602, OMIM 614165.
Mitochondrial complex II deficiency, nuclear type 1. Also called: SUCCINATE CoQ REDUCTASE DEFICIENCY. Identifiers: Orphanet 3208, MedGen C5700310, MONDO:0100294, OMIM 252011.
Hereditary cancer-predisposing syndrome. Also called: Neoplastic Syndromes, Hereditary; Hereditary neoplastic syndrome; Hereditary Cancer Syndrome; Tumor predisposition. Identifiers: Orphanet 140162, MedGen C0027672, MeSH D009386, MONDO:0015356.
Dilated cardiomyopathy 1GG (CMD1GG). Identifiers: Orphanet 154, MedGen C3150898, MONDO:0013339, OMIM 613642.
Leigh syndrome (NULS). Also called: Leigh Disease; Leigh Syndrome (mtDNA deletion); Subacute necrotizing encephalopathy; Necrotizing encephalopathy infantile subacute of Leigh; LEIGH SYNDROME, NUCLEAR; Leigh's syndrome. Identifiers: Orphanet 506, MedGen C2931891, MONDO:0009723, OMIM 256000.

Allele frequency attached by ClinVar (database versions not stated): gnomAD exomes 0.00004 and 0.00018; TOPMed 0.00007; ExAC 0.00014; gnomAD 0.00014 and 0.00015; 1000 Genomes Project 30x 0.00062; 1000 Genomes Project 0.00080.
gnomAD v4.1: 89 of 1,614,150 alleles (0.0055%); highest among the groups gnomAD compares: East Asian, 0.17%; no homozygotes.

Submissions (7):

Labcorp Genetics (formerly Invitae), Labcorp
Classification: Likely benign for Pheochromocytoma/paraganglioma syndrome 5; Mitochondrial complex II deficiency, nuclear type 1. Last evaluated: 2026-02-03. Review status: criteria provided, single submitter. Criteria: Invitae Variant Classification Sherloc (09022015). Collection method: clinical testing. Allele origin: germline.

PreventionGenetics, part of Exact Sciences
Classification: Likely benign for SDHA-related condition. Last evaluated: 2024-12-03. Review status: criteria provided, single submitter. Criteria: ACMG Guidelines, 2015. Collection method: clinical testing. Allele origin: germline.
Comment: This variant is classified as likely benign based on ACMG/AMP sequence variant interpretation guidelines (Richards et al. 2015 PMID: 25741868, with internal and published modifications).

GeneDx
Classification: Uncertain significance. Last evaluated: 2024-05-03. Review status: criteria provided, single submitter. Criteria: GeneDx Variant Classification Process June 2021. Collection method: clinical testing. Allele origin: germline. Affected: yes.
Comment: Observed in individuals with breast cancer (PMID: 32091409); In silico analysis supports that this missense variant has a deleterious effect on protein structure/function; This variant is associated with the following publications: (PMID: 32091409)

Ambry Genetics
Classification: Likely benign for Hereditary cancer-predisposing syndrome. Last evaluated: 2021-03-17. Review status: criteria provided, single submitter. Criteria: Ambry Variant Classification Scheme 2023. Collection method: clinical testing. Allele origin: germline.

Sema4
Classification: Likely benign for Hereditary cancer-predisposing syndrome. Last evaluated: 2020-10-23. Review status: criteria provided, single submitter. Criteria: Sema4 Curation Guidelines. Collection method: curation. Allele origin: germline.

Revvity Omics, Revvity
Classification: Uncertain significance. Last evaluated: 2019-06-24. Review status: criteria provided, single submitter. Criteria: ACMG Guidelines, 2015. Collection method: clinical testing. Allele origin: germline.

Fulgent Genetics
Classification: Uncertain significance for Mitochondrial complex II deficiency, nuclear type 1; Leigh syndrome; Dilated cardiomyopathy 1GG; Pheochromocytoma/paraganglioma syndrome 5. Last evaluated: 2018-10-31. Review status: criteria provided, single submitter. Criteria: ACMG Guidelines, 2015. Collection method: clinical testing. Allele origin: unknown.

NM_004168.4(SDHA):c.991G>A (p.Ala331Thr)

Gene: SDHA (succinate dehydrogenase complex flavoprotein subunit A; plus strand). Cytogenetic location: 5p15.33.
Variant type: single nucleotide variant.
Coding change: c.991G>A on transcript NM_004168.4 (MANE Select); coding-DNA position 991, G replaced by A.
Protein change: p.Ala331Thr; replaces alanine 331 with threonine.
Molecular consequence: missense variant.
Genome position (GRCh38, 1-based): chr5:233,572, G>A. VCF-style: chr5-233572-G-A. GRCh37 (hg19) VCF-style: chr5-233687-G-A.
Other names: c.847G>A, p.Ala283Thr (NM_001294332.2); c.991G>A, p.Ala331Thr (NM_001330758.2); short protein forms A331T, A283T.
Identifiers: ClinVar variation 252912 (VCV000252912.31), dbSNP rs200526913, ClinGen allele CA3173058.